The following is an entry in ClinVar:

NM_001378454.1(ALMS1):c.3899C>G (p.Ser1300Trp)

Gene: ALMS1 (ALMS1 centrosome and basal body associated protein; plus strand). Cytogenetic location: 2p13.1.
Variant type: single nucleotide variant.
Coding change: c.3899C>G on transcript NM_001378454.1 (MANE Select); coding-DNA position 3899, C replaced by G.
Protein change: p.Ser1300Trp; replaces serine 1300 with tryptophan.
Molecular consequence: missense variant.
Genome position (GRCh38, 1-based): chr2:73,450,426, C>G. VCF-style: chr2-73450426-C-G. GRCh37 (hg19) VCF-style: chr2-73677553-C-G.
Other names: c.3902C>G, p.Ser1301Trp (NM_015120.4); short protein forms S1300W, S1301W.
Identifiers: ClinVar variation 3354593 (VCV003354593.1).

ClinVar aggregate classification (germline): Uncertain significance (0 of 4 stars; one submission).

Conditions:
ALMS1-related disorder. Also called: ALMS1-related condition.

Submission:

PreventionGenetics, part of Exact Sciences
Classification: Uncertain significance for ALMS1-related condition. Last evaluated: 2023-10-28. Review status: no assertion criteria provided. Collection method: clinical testing. Allele origin: germline.
Comment: The ALMS1 c.3902C>G variant is predicted to result in the amino acid substitution p.Pro1301Arg. To our knowledge, this variant has not been reported in the literature. This variant is reported in 0.0041% of alleles in individuals of African descent in gnomAD. At this time, the clinical significance of this variant is uncertain due to the absence of conclusive functional and genetic evidence.